The following is an entry in ClinVar:

NM_000540.3(RYR1):c.6360G>C (p.Met2120Ile)

Gene: RYR1 (ryanodine receptor 1; plus strand). Cytogenetic location: 19q13.2.
Variant type: single nucleotide variant.
Coding change: c.6360G>C on transcript NM_000540.3 (MANE Select); coding-DNA position 6360, G replaced by C.
Protein change: p.Met2120Ile; replaces methionine 2120 with isoleucine.
Molecular consequence: missense variant.
Genome position (GRCh38, 1-based): chr19:38,494,437, G>C. VCF-style: chr19-38494437-G-C. GRCh37 (hg19) VCF-style: chr19-38985077-G-C.
Other names: c.6360G>C, p.Met2120Ile (NM_001042723.2); short protein forms M2120I.
Identifiers: ClinVar variation 2902364 (VCV002902364.3), dbSNP rs1969707173, ClinGen allele CA405663669.

ClinVar aggregate classification (germline): Uncertain significance (1 of 4 stars; one submission).

Conditions:
RYR1-related disorder. Also called: RYR1-related condition; RYR1-related disorders. Identifiers: MedGen CN239331.

Allele frequency attached by ClinVar (database versions not stated): TOPMed below 0.00001.

Submission:

Labcorp Genetics (formerly Invitae), Labcorp
Classification: Uncertain significance for RYR1-related disorder. Last evaluated: 2023-08-17. Review status: criteria provided, single submitter. Criteria: Invitae Variant Classification Sherloc (09022015). Collection method: clinical testing. Allele origin: germline.
Comment: This variant has not been reported in the literature in individuals affected with RYR1-related conditions. Advanced modeling of protein sequence and biophysical properties (such as structural, functional, and spatial information, amino acid conservation, physicochemical variation, residue mobility, and thermodynamic stability) has been performed at Invitae for this missense variant, however the output from this modeling did not meet the statistical confidence thresholds required to predict the impact of this variant on RYR1 protein function. This variant disrupts the p.Met2120 amino acid residue in RYR1. Other variant(s) that disrupt this residue have been determined to be pathogenic (PMID: 30611313). This suggests that this residue is clinically significant, and that variants that disrupt this residue are likely to be disease-causing. In summary, the available evidence is currently insufficient to determine the role of this variant in disease. Therefore, it has been classified as a Variant of Uncertain Significance. This variant is not present in population databases (gnomAD no frequency). This sequence change replaces methionine, which is neutral and non-polar, with isoleucine, which is neutral and non-polar, at codon 2120 of the RYR1 protein (p.Met2120Ile).

Literature cited by the submitters: PubMed 30611313.